The following is an entry in ClinVar:

NM_006947.4(SRP72):c.229A>G (p.Asn77Asp)

Gene: SRP72 (signal recognition particle 72; plus strand). Cytogenetic location: 4q12.
Variant type: single nucleotide variant.
Coding change: c.229A>G on transcript NM_006947.4 (MANE Select); coding-DNA position 229, A replaced by G.
Protein change: p.Asn77Asp; replaces asparagine 77 with aspartic acid.
Molecular consequence: missense variant. On other transcripts: non-coding transcript variant (1).
Genome position (GRCh38, 1-based): chr4:56,469,772, A>G. VCF-style: chr4-56469772-A-G. GRCh37 (hg19) VCF-style: chr4-57335938-A-G.
Other names: c.229A>G, p.Asn77Asp (NM_001267722.2); short protein forms N77D.
Identifiers: ClinVar variation 4174964 (VCV004174964.1).
Genomic context (GRCh38, chr4:56,469,772, plus strand): 5'-CAGAATGGAAGTTTCAAGGAAGCTTTGAATGTCATCAATACTCACACCAAAGTGTTAGCC[A>G]AGTAAGTGATTCAGTTAGTTGCTTGTACAGTTATTAGAAACACTTACTATAGCTATAATC-3'
Protein context (NP_008878.3, residues 67-87): VINTHTKVLA[Asn77Asp]NSLSFEKAYC

ClinVar aggregate classification (germline): Uncertain significance (1 of 4 stars; one submission).

gnomAD v4.1: 1 of 1,604,646 alleles (0.000062%); highest among the groups gnomAD compares: Non-Finnish European, 0.000085%; no homozygotes.

Submission:

Ambry Genetics
Classification: Uncertain significance. Last evaluated: 2025-08-10. Review status: criteria provided, single submitter. Criteria: Ambry Variant Classification Scheme 2023. Collection method: clinical testing. Allele origin: germline.
Comment: The p.N77D variant (also known as c.229A>G), located in coding exon 2 of the SRP72 gene, results from an A to G substitution at nucleotide position 229. The asparagine at codon 77 is replaced by aspartic acid, an amino acid with highly similar properties. This amino acid position is conserved. In addition, this alteration is predicted to be tolerated by in silico analysis. Based on the available evidence, the clinical significance of this variant remains unclear.